The following is an entry in ClinVar:

NM_032108.4(SEMA6B):c.541G>C (p.Ala181Pro)

Gene: SEMA6B (semaphorin 6B; minus strand). Cytogenetic location: 19p13.3.
Variant type: single nucleotide variant.
Coding change: c.541G>C on transcript NM_032108.4 (MANE Select); coding-DNA position 541, G replaced by C.
Protein change: p.Ala181Pro; replaces alanine 181 with proline.
Molecular consequence: missense variant.
Genome position (GRCh38, 1-based): chr19:4,555,495, C>G on the plus strand (G>C on the coding strand, the complement: SEMA6B is on the minus strand). VCF-style: chr19-4555495-C-G. GRCh37 (hg19) VCF-style: chr19-4555507-C-G.
Other names: short protein forms A181P.
Identifiers: ClinVar variation 2636213 (VCV002636213.1), dbSNP rs764521530, ClinGen allele CA403469000.

ClinVar aggregate classification (germline): Uncertain significance (1 of 4 stars; one submission).

Conditions:
SEMA6B-related disorder. Also called: SEMA6B-related condition.

gnomAD v4.1: 1 of 1,612,908 alleles (0.000062%); highest among the groups gnomAD compares: Non-Finnish European, 0.000085%; no homozygotes.

Submission:

PreventionGenetics, part of Exact Sciences
Classification: Uncertain significance for SEMA6B-related condition. Last evaluated: 2023-05-16. Review status: criteria provided, single submitter. Criteria: ACMG Guidelines, 2015. Collection method: clinical testing. Allele origin: germline.
Comment: The SEMA6B c.541G>C variant is predicted to result in the amino acid substitution p.Ala181Pro. To our knowledge, this variant has not been reported in the literature or in a large population database, indicating this variant is rare. At this time, the clinical significance of this variant is uncertain due to the absence of conclusive functional and genetic evidence.